The following is an entry in ClinVar:

NM_139027.6(ADAMTS13):c.373C>A (p.Arg125=)

Gene: ADAMTS13 (ADAM metallopeptidase with thrombospondin type 1 motif 13; plus strand). Cytogenetic location: 9q34.2.
Variant type: single nucleotide variant.
Coding change: c.373C>A on transcript NM_139027.6 (MANE Select); coding-DNA position 373, C replaced by A.
Protein change: p.Arg125=; no amino-acid change (arginine 125 retained).
Molecular consequence: synonymous variant. On other transcripts: non-coding transcript variant (1).
Genome position (GRCh38, 1-based): chr9:133,425,571, C>A. VCF-style: chr9-133425571-C-A. GRCh37 (hg19) VCF-style: chr9-136290691-C-A.
Other names: c.373C>A, p.Arg125= (NM_139025.5, NM_139026.6).
Identifiers: ClinVar variation 2682622 (VCV002682622.2), dbSNP rs587701622, ClinGen allele CA200881214.

ClinVar aggregate classification (germline): Conflicting classifications of pathogenicity. Review status: criteria provided, conflicting classifications (1 of 4 stars). 2 submissions from 2 submitters: Uncertain significance (1); Likely benign (1). Last evaluated 2025-08-14.

Allele frequency attached by ClinVar (database versions not stated): ExAC 0.00005; 1000 Genomes Project 30x 0.00016; 1000 Genomes Project 0.00020.
gnomAD v4.1: 39 of 1,613,730 alleles (0.0024%); highest among the groups gnomAD compares: South Asian, 0.021%; no homozygotes.

Submissions (2):

Labcorp Genetics (formerly Invitae), Labcorp
Classification: Uncertain significance. Last evaluated: 2025-08-14. Review status: criteria provided, single submitter. Criteria: Invitae Variant Classification Sherloc (09022015). Collection method: clinical testing. Allele origin: germline.
Comment: This sequence change affects codon 125 of the ADAMTS13 mRNA. It is a 'silent' change, meaning that it does not change the encoded amino acid sequence of the ADAMTS13 protein. This variant is present in population databases (rs587701622, gnomAD 0.02%). This variant has not been reported in the literature in individuals affected with ADAMTS13-related conditions. ClinVar contains an entry for this variant (Variation ID: 2682622). Algorithms developed to predict the effect of sequence changes on RNA splicing suggest that this variant may disrupt the consensus splice site. In summary, the available evidence is currently insufficient to determine the role of this variant in disease. Therefore, it has been classified as a Variant of Uncertain Significance.

Women's Health and Genetics/Laboratory Corporation of America, LabCorp
Classification: Likely benign. Last evaluated: 2023-11-17. Review status: criteria provided, single submitter. Criteria: LabCorp Variant Classification Summary - May 2015. Collection method: clinical testing. Allele origin: germline.
Comment: Variant summary: ADAMTS13 c.373C>A alters a conserved nucleotide resulting in a synonymous change. Consensus agreement among computation tools predict no significant impact on normal splicing. However, these predictions have yet to be confirmed by functional studies. The variant allele was found at a frequency of 2.8e-05 in 249932 control chromosomes (gnomAD). The available data on variant occurrences in the general population are insufficient to allow any conclusion about variant significance. To our knowledge, no occurrence of c.373C>A in individuals affected with Thrombotic Thrombocytopenic Purpura and no experimental evidence demonstrating its impact on protein function have been reported. No submitters have cited clinical-significance assessments for this variant to ClinVar after 2014. Based on the evidence outlined above, the variant was classified as likely benign.